The following is an entry in ClinVar:

ClinVar aggregate classification (germline): Pathogenic. Review status: reviewed by expert panel (3 of 4 stars). 21 submissions from 19 submitters: Pathogenic (1). 20 of the submissions do not count toward it. Last evaluated 2017-03-17.

Conditions:
CFTR-related disorder (CFTR-RD). Also called: CFTR-related condition; CFTR-related disorders. Identifiers: MedGen C5924204, MONDO:7770004.
Congenital bilateral aplasia of vas deferens from CFTR mutation (CBAVD). Identifiers: Orphanet 48, MedGen C0403814, MONDO:0010178, OMIM 277180. Disease mechanism: loss of function.
Cystic fibrosis (CF). Also called: MUCOVISCIDOSIS. Identifiers: Orphanet 586, MedGen C0010674, MONDO:0009061, OMIM 219700. Disease mechanism: loss of function.
Bronchiectasis with or without elevated sweat chloride 1 (BESC1). Also called: Cystic Fibrosis-Like Syndrome. Identifiers: Orphanet 60033, MedGen C2749757, MONDO:0008887, OMIM 211400.
Hereditary pancreatitis (PCTT). Also called: PRSS1-Related Hereditary Pancreatitis; Hereditary chronic pancreatitis. Identifiers: Orphanet 676, MedGen C0238339, MONDO:0008185, OMIM 167800.

Allele frequency attached by ClinVar (database versions not stated): ExAC 0.00002; gnomAD 0.00001; gnomAD exomes 0.00001 and 0.00002; TOPMed 0.00003.
gnomAD v4.1: 19 of 1,612,538 alleles (0.0012%); highest among the groups gnomAD compares: South Asian, 0.0088%; no homozygotes.

Submissions 1 to 14 of 21:

CFTR2
Classification: Pathogenic for Cystic fibrosis. Last evaluated: 2017-03-17. Review status: reviewed by expert panel. Criteria: Sosnay PR et al. (Nat Genet 2013). Collection method: research. Allele origin: germline. Affected: yes. Study: CFTR2.

Labcorp Genetics (formerly Invitae), Labcorp
Classification: Pathogenic for Cystic fibrosis. Last evaluated: 2026-01-12. Review status: criteria provided, single submitter. Criteria: Invitae Variant Classification Sherloc (09022015). Collection method: clinical testing. Allele origin: germline. Not counted in ClinVar's aggregate classification.
Comment: This sequence change creates a premature translational stop signal (p.Arg75*) in the CFTR gene. It is expected to result in an absent or disrupted protein product. Loss-of-function variants in CFTR are known to be pathogenic (PMID: 1695717, 7691345, 9725922). This variant is present in population databases (rs121908749, gnomAD 0.009%). This premature translational stop signal has been observed in individual(s) with CF and cystic fibrosis (CF) (PMID: 7525450, 10923036, 18456578, 22658665, 22975760, 23276700, 23523379, 23974870, 26014425, 26574590). In at least one individual the data is consistent with being in trans (on the opposite chromosome) from a pathogenic variant. ClinVar contains an entry for this variant (Variation ID: 48672). For these reasons, this variant has been classified as Pathogenic.

Natera, Inc.
Classification: Pathogenic for CFTR-related disorders. Last evaluated: 2025-08-25. Review status: criteria provided, single submitter. Criteria: Natera Variant Classification Schema (03/2026). Collection method: clinical testing. Allele origin: germline. Not counted in ClinVar's aggregate classification.
Comment: The c.223C>T variant in CFTR is a nonsense variant predicted to introduce a stop codon at amino acid 75. This variant is expected to result in nonsense mediated decay, truncation, or a dysfunctional protein product. This variant is rare in the general population with a frequency below the threshold expected for the associated phenotype(s). This variant has been observed in one or more individuals affected with the associated recessive disease, as either homozygous or compound heterozygous with a second variant (PMID: 25688174, 11668613). Given the available evidence, this variant is classified as Pathogenic.

Institute of Human Genetics, University of Leipzig Medical Center
Classification: Pathogenic for Cystic fibrosis. Last evaluated: 2025-05-14. Review status: criteria provided, single submitter. Criteria: ACMG Guidelines, 2015. Collection method: clinical testing. Allele origin: unknown. Inheritance: Autosomal recessive inheritance. Affected: yes. Not counted in ClinVar's aggregate classification.
Comment: Criteria applied: PVS1,PM3_VSTR,PP4

Ambry Genetics
Classification: Pathogenic for Cystic fibrosis. Last evaluated: 2025-01-22. Review status: criteria provided, single submitter. Criteria: Ambry Variant Classification Scheme 2023. Collection method: clinical testing. Allele origin: germline. Not counted in ClinVar's aggregate classification.
Comment: The p.R75* pathogenic mutation (also known as c.223C>T), located in coding exon 3 of the CFTR gene, results from a C to T substitution at nucleotide position 223. This changes the amino acid at codon 75 from arginine to a stop codon. This mutation has pan-ethnic distribution (Rohlfs EM et al. Clin Chem. 2011;57(6):841-8) and is associated with elevated sweat chloride levels and pancreatic insufficiency (Sosnay PR et al. Nat Genet. 2013;45(10):1160-1167). This variant has been reported in multiple individuals with an elevated sweat chloride level in The Clinical and Functional TRanslation of CFTR (CFTR2) database (available at CFTR2. Accessed 10/25/2021). This variant is considered to be rare based on population cohorts in the Genome Aggregation Database (gnomAD). In addition to the clinical data presented in the literature, this alteration is expected to result in loss of function by premature protein truncation or nonsense-mediated mRNA decay. As such, this alteration is interpreted as a disease-causing mutation.

Genomic Medicine Center of Excellence, King Faisal Specialist Hospital and Research Centre
Classification: Pathogenic for Cystic fibrosis. Last evaluated: 2024-03-26. Review status: criteria provided, single submitter. Criteria: ACMG Guidelines, 2015. Collection method: clinical testing. Allele origin: germline. Not counted in ClinVar's aggregate classification.

Fulgent Genetics
Classification: Pathogenic for Hereditary pancreatitis; Bronchiectasis with or without elevated sweat chloride 1; Cystic fibrosis; Congenital bilateral aplasia of vas deferens from CFTR mutation. Last evaluated: 2024-03-08. Review status: criteria provided, single submitter. Criteria: ACMG Guidelines, 2015. Collection method: clinical testing. Allele origin: germline. Not counted in ClinVar's aggregate classification.

Revvity Omics, Revvity
Classification: Pathogenic. Last evaluated: 2024-03-01. Review status: criteria provided, single submitter. Criteria: ACMG Guidelines, 2015. Collection method: clinical testing. Allele origin: germline. Not counted in ClinVar's aggregate classification.

Mayo Clinic Laboratories, Mayo Clinic
Classification: Pathogenic. Last evaluated: 2024-02-17. Review status: criteria provided, single submitter. Criteria: ACMG Guidelines, 2015. Collection method: clinical testing. Allele origin: germline. Observed: 2 variant alleles. Not counted in ClinVar's aggregate classification.

ARUP Laboratories, Molecular Genetics and Genomics, ARUP Laboratories
Classification: Pathogenic. Last evaluated: 2023-11-20. Review status: criteria provided, single submitter. Criteria: ARUP Molecular Germline Variant Investigation Process 2024. Collection method: clinical testing. Allele origin: germline. Not counted in ClinVar's aggregate classification.
Comment: The CFTR c.223C>T; p.Arg75Ter variant (rs121908749) is reported in the literature in individuals affected with cystic fibrosis (Dork 1994, Sosnay 2013, CFTR2 database). This variant has been observed in affected individuals in trans to another pathogenic variant (Dork 1994) and the majority of patients described exhibit elevated sweat chloride and pancreatic insufficiency (Sosnay 2013, CFTR2 database). This variant is found on only six chromosomes (6/250976 alleles) in the Genome Aggregation Database (v2.1.1), indicating it is not a common polymorphism. This variant induces an early termination codon and is predicted to result in a truncated protein or mRNA subject to nonsense-mediated decay. Based on available information, this variant is considered to be pathogenic. References: CFTR2 database: Dork T et al. Detection of more than 50 different CFTR mutations in a large group of German cystic fibrosis patients. Hum Genet. 1994 Nov;94(5):533-42. Sosnay PR et al. Defining the disease liability of variants in the cystic fibrosis transmembrane conductance regulator gene. Nat Genet. 2013 Oct;45(10):1160-7.

Baylor Genetics
Classification: Pathogenic for Bronchiectasis with or without elevated sweat chloride 1. Last evaluated: 2023-10-17. Review status: criteria provided, single submitter. Criteria: ACMG Guidelines, 2015. Collection method: clinical testing. Allele origin: unknown. Not counted in ClinVar's aggregate classification.

Genome Diagnostics Laboratory, The Hospital for Sick Children
Classification: Pathogenic for Cystic fibrosis. Last evaluated: 2022-02-25. Review status: criteria provided, single submitter. Criteria: ACMG Guidelines, 2015. Collection method: clinical testing. Allele origin: germline. Not counted in ClinVar's aggregate classification.

Johns Hopkins Genomics, Johns Hopkins University
Classification: Pathogenic for Cystic fibrosis. Last evaluated: 2021-05-25. Review status: criteria provided, single submitter. Criteria: ACMG Guidelines, 2015. Collection method: clinical testing. Allele origin: germline. Not counted in ClinVar's aggregate classification.
Comment: Disease-causing CFTR variant. See CFTR2 for phenotype information.

Myriad Genetics, Inc.
Classification: Pathogenic for Cystic fibrosis. Last evaluated: 2019-12-09. Review status: criteria provided, single submitter. Criteria: Myriad Women's Health Autosomal Recessive and X-Linked Classification Criteria (2019). Collection method: clinical testing. Allele origin: unknown. Not counted in ClinVar's aggregate classification.
Comment: NM_000492.3(CFTR):c.223C>T(R75*) is classified as pathogenic in the context of cystic fibrosis and is associated with classic disease. Sources cited for classification include the following: PMID 7541274, 23420618, 7525450, 9806422, 22658665 and 23974870. Classification of NM_000492.3(CFTR):c.223C>T(R75*) is based on the following criteria: The variant causes a premature termination codon that is expected to be targeted by nonsense-mediated mRNA decay and is reported in individuals with the relevant phenotype. Please note: this variant was assessed in the context of healthy population screening.

NM_000492.4(CFTR):c.223C>T (p.Arg75Ter)

Gene: CFTR (CF transmembrane conductance regulator; plus strand). Cytogenetic location: 7q31.2.
Variant type: single nucleotide variant.
Coding change: c.223C>T on transcript NM_000492.4 (MANE Select); coding-DNA position 223, C replaced by T.
Protein change: p.Arg75Ter; replaces arginine 75 with a stop codon.
Molecular consequence: nonsense.
Genome position (GRCh38, 1-based): chr7:117,509,092, C>T. VCF-style: chr7-117509092-C-T. GRCh37 (hg19) VCF-style: chr7-117149146-C-T.
Other names: p.Arg75*; short protein forms R75*.
Identifiers: ClinVar variation 48672 (VCV000048672.93), dbSNP rs121908749, ClinGen allele CA328098.